The following is an entry in ClinVar:

ClinVar aggregate classification (germline): Likely benign. Review status: criteria provided, multiple submitters, no conflicts (2 of 4 stars). 3 submissions from 3 submitters: Likely benign (3). Last evaluated 2025-09-01.

Conditions:
Hypercholesterolemia, autosomal dominant, type B (FHCL2). Also called: Familial Hypercholesterolemia Type B; Hyperlipoproteinemia Type IIb; Familial hypercholesterolemia 2; APOB-Related Familial Hypercholesterolemia, Autosomal Dominant; APOLIPOPROTEIN B-100, FAMILIAL DEFECTIVE; APOLIPOPROTEIN B-100, FAMILIAL LIGAND-DEFECTIVE. Identifiers: MedGen C1704417, MONDO:0007751, OMIM 144010.
Familial hypobetalipoproteinemia 1. Also called: APOB-Related Familial Hypobetalipoproteinemia; Hypobetalipoproteinemia, normotriglyceridemic; Acanthocytosis with hypobetalipoproteinemia. Identifiers: MedGen C4551990, MONDO:0014252, OMIM 615558.
Cardiovascular phenotype. Identifiers: MedGen CN230736.

Allele frequency attached by ClinVar (database versions not stated): TOPMed 0.00003.
gnomAD v4.1: 103 of 1,613,932 alleles (0.0064%); highest among the groups gnomAD compares: African/African-American, 0.024%; 1 homozygote.

Submissions (3):

CeGaT Center for Human Genetics Tuebingen
Classification: Likely benign. Last evaluated: 2025-09-01. Review status: criteria provided, single submitter. Criteria: CeGaT Center For Human Genetics Tuebingen Variant Classification Criteria Version 2. Collection method: clinical testing. Allele origin: germline. Affected: yes. Observed: 1 variant allele.
Comment: APOB: BP4, BP7

Labcorp Genetics (formerly Invitae), Labcorp
Classification: Likely benign for Familial hypobetalipoproteinemia 1; Hypercholesterolemia, autosomal dominant, type B. Last evaluated: 2025-04-11. Review status: criteria provided, single submitter. Criteria: Invitae Variant Classification Sherloc (09022015). Collection method: clinical testing. Allele origin: germline.

Ambry Genetics
Classification: Likely benign for Cardiovascular phenotype. Last evaluated: 2017-04-03. Review status: criteria provided, single submitter. Criteria: Ambry Variant Classification Scheme 2023. Collection method: clinical testing. Allele origin: germline.

NM_000384.3(APOB):c.9720C>T (p.Asp3240=)

Gene: APOB (apolipoprotein B; minus strand). Cytogenetic location: 2p24.1.
Variant type: single nucleotide variant.
Coding change: c.9720C>T on transcript NM_000384.3 (MANE Select); coding-DNA position 9720, C replaced by T.
Protein change: p.Asp3240=; no amino-acid change (aspartic acid 3240 retained).
Molecular consequence: synonymous variant.
Genome position (GRCh38, 1-based): chr2:21,007,148, G>A on the plus strand (C>T on the coding strand, the complement: APOB is on the minus strand). VCF-style: chr2-21007148-G-A. GRCh37 (hg19) VCF-style: chr2-21230020-G-A.
Identifiers: ClinVar variation 630264 (VCV000630264.23), dbSNP rs111899014, ClinGen allele CA066797.
Genomic context (GRCh38, chr2:21,007,148, plus strand): 5'-CACTTCAACATTGACAACTGGAACAGTGTATCCAGGAATTTGAAAGGTCCTGGGGAGCTC[G>A]TCGTGAGATTTTTCAGCTTTGTACTTATCAAACTTAATTTTTGTTTCATTATAGGATTTG-3'
Protein context (NP_000375.3, residues 3230-3250): FDKYKAEKSH[Asp3240=]ELPRTFQIPG